The following is an entry in ClinVar:

ClinVar aggregate classification (germline): Uncertain significance (1 of 4 stars; one submission).

Submission:

Labcorp Genetics (formerly Invitae), Labcorp
Classification: Uncertain significance. Last evaluated: 2023-02-18. Review status: criteria provided, single submitter. Criteria: Invitae Variant Classification Sherloc (09022015). Collection method: clinical testing. Allele origin: germline.
Comment: In summary, the available evidence is currently insufficient to determine the role of this variant in disease. Therefore, it has been classified as a Variant of Uncertain Significance. An algorithm developed to predict the effect of missense changes on protein structure and function (PolyPhen-2) suggests that this variant is likely to be disruptive. This variant has not been reported in the literature in individuals affected with MSH3-related conditions. This variant is not present in population databases (gnomAD no frequency). This sequence change replaces phenylalanine, which is neutral and non-polar, with valine, which is neutral and non-polar, at codon 463 of the MSH3 protein (p.Phe463Val).

NM_002439.5(MSH3):c.1387T>G (p.Phe463Val)

Gene: MSH3 (mutS homolog 3; plus strand). Cytogenetic location: 5q14.1.
Variant type: single nucleotide variant.
Coding change: c.1387T>G on transcript NM_002439.5 (MANE Select); coding-DNA position 1387, T replaced by G.
Protein change: p.Phe463Val; replaces phenylalanine 463 with valine.
Molecular consequence: missense variant.
Genome position (GRCh38, 1-based): chr5:80,725,499, T>G. VCF-style: chr5-80725499-T-G. GRCh37 (hg19) VCF-style: chr5-80021318-T-G.
Other names: short protein forms F463V.
Identifiers: ClinVar variation 2838576 (VCV002838576.3), dbSNP rs2546753000, ClinGen allele CA360273462.